The following is an entry in ClinVar:

NM_001111.5(ADAR):c.1112G>A (p.Ser371Asn)

Gene: ADAR (adenosine deaminase RNA specific; minus strand). Cytogenetic location: 1q21.3.
Variant type: single nucleotide variant.
Coding change: c.1112G>A on transcript NM_001111.5 (MANE Select); coding-DNA position 1112, G replaced by A.
Protein change: p.Ser371Asn; replaces serine 371 with asparagine.
Molecular consequence: missense variant.
Genome position (GRCh38, 1-based): chr1:154,601,530, C>T on the plus strand (G>A on the coding strand, the complement: ADAR is on the minus strand). VCF-style: chr1-154601530-C-T. GRCh37 (hg19) VCF-style: chr1-154574006-C-T.
Other names: c.227G>A, p.Ser76Asn (NM_001025107.3, NM_001193495.2, NM_001365046.1 and 3 more transcripts); c.1139G>A, p.Ser380Asn (NM_001365045.1); c.1112G>A, p.Ser371Asn (NM_015840.4, NM_015841.4); short protein forms S380N, S76N, S371N.
Identifiers: ClinVar variation 2232061 (VCV002232061.5), dbSNP rs2526653365, ClinGen allele CA342598626.

ClinVar aggregate classification (germline): Uncertain significance. Review status: criteria provided, multiple submitters, no conflicts (2 of 4 stars). 2 submissions from 2 submitters: Uncertain significance (2). Last evaluated 2025-01-30.

Conditions:
Symmetrical dyschromatosis of extremities (DSH). Also called: RETICULATE ACROPIGMENTATION OF DOHI; SYMMETRIC DYSCHROMATOSIS OF THE EXTREMITIES; Dyschromatosis symmetrica hereditaria; DYSCHROMATOSIS SYMMETRICA HEREDITARIA 1. Identifiers: Orphanet 41, MedGen C0406775, MONDO:0007483, OMIM 127400.
Aicardi-Goutieres syndrome 6 (AGS6). Identifiers: Orphanet 51, MedGen C3539013, MONDO:0014007, OMIM 615010.
Inborn genetic diseases. Identifiers: MedGen C0950123, MeSH D030342.

Submissions (2):

Labcorp Genetics (formerly Invitae), Labcorp
Classification: Uncertain significance for Aicardi-Goutieres syndrome 6; Symmetrical dyschromatosis of extremities. Last evaluated: 2025-01-30. Review status: criteria provided, single submitter. Criteria: Invitae Variant Classification Sherloc (09022015). Collection method: clinical testing. Allele origin: germline.
Comment: This sequence change replaces serine, which is neutral and polar, with asparagine, which is neutral and polar, at codon 371 of the ADAR protein (p.Ser371Asn). This variant is not present in population databases (gnomAD no frequency). This variant has not been reported in the literature in individuals affected with ADAR-related conditions. ClinVar contains an entry for this variant (Variation ID: 2232061). Invitae Evidence Modeling of protein sequence and biophysical properties (such as structural, functional, and spatial information, amino acid conservation, physicochemical variation, residue mobility, and thermodynamic stability) indicates that this missense variant is not expected to disrupt ADAR protein function with a negative predictive value of 80%. In summary, the available evidence is currently insufficient to determine the role of this variant in disease. Therefore, it has been classified as a Variant of Uncertain Significance.

Ambry Genetics
Classification: Uncertain significance for Inborn genetic diseases. Last evaluated: 2021-07-15. Review status: criteria provided, single submitter. Criteria: Ambry Variant Classification Scheme 2023. Collection method: clinical testing. Allele origin: germline.